The following is an entry in ClinVar:

NM_001323289.2(CDKL5):c.1230A>C (p.Glu410Asp)

Gene: CDKL5 (cyclin dependent kinase like 5; plus strand). Cytogenetic location: Xp22.13.
Variant type: single nucleotide variant.
Coding change: c.1230A>C on transcript NM_001323289.2 (MANE Select); coding-DNA position 1230, A replaced by C.
Protein change: p.Glu410Asp; replaces glutamic acid 410 with aspartic acid.
Molecular consequence: missense variant.
Genome position (GRCh38, 1-based): chrX:18,604,154, A>C. VCF-style: chrX-18604154-A-C. GRCh37 (hg19) VCF-style: chrX-18622274-A-C.
Other names: c.1230A>C, p.Glu410Asp (NM_001037343.2, NM_003159.3); short protein forms E410D.
Identifiers: ClinVar variation 1405365 (VCV001405365.6), dbSNP rs762247736, ClinGen allele CA10360367.

ClinVar aggregate classification (germline): Uncertain significance (1 of 4 stars; one submission).

Conditions:
Angelman syndrome-like. Identifiers: MedGen CN128785.
Developmental and epileptic encephalopathy, 2 (DEE2). Also called: INFANTILE SPASM SYNDROME, X-LINKED 2; CDKL5 deficiency disorder. Identifiers: Orphanet 1934, Orphanet 3451, Orphanet 505652, MedGen C4750718, MONDO:0010396, OMIM 300672.

Allele frequency attached by ClinVar (database versions not stated): ExAC 0.00001; gnomAD exomes 0.00001.

Submission:

Labcorp Genetics (formerly Invitae), Labcorp
Classification: Uncertain significance for Developmental and epileptic encephalopathy, 2; Angelman syndrome-like. Last evaluated: 2022-08-10. Review status: criteria provided, single submitter. Criteria: Invitae Variant Classification Sherloc (09022015). Collection method: clinical testing. Allele origin: germline.
Comment: In summary, the available evidence is currently insufficient to determine the role of this variant in disease. Therefore, it has been classified as a Variant of Uncertain Significance. Advanced modeling of protein sequence and biophysical properties (such as structural, functional, and spatial information, amino acid conservation, physicochemical variation, residue mobility, and thermodynamic stability) performed at Invitae indicates that this missense variant is not expected to disrupt CDKL5 protein function. ClinVar contains an entry for this variant (Variation ID: 1405365). This variant has not been reported in the literature in individuals affected with CDKL5-related conditions. This variant is present in population databases (rs762247736, gnomAD 0.01%). This sequence change replaces glutamic acid, which is acidic and polar, with aspartic acid, which is acidic and polar, at codon 410 of the CDKL5 protein (p.Glu410Asp).